The following is an entry in ClinVar:

ClinVar aggregate classification (germline): Benign (1 of 4 stars; one submission).

Submission:

CeGaT Center for Human Genetics Tuebingen
Classification: Benign. Last evaluated: 2022-10-01. Review status: criteria provided, single submitter. Criteria: CeGaT Center For Human Genetics Tuebingen Variant Classification Criteria Version 2. Collection method: clinical testing. Allele origin: germline. Affected: yes. Observed: 1 variant allele.
Comment: HOXD10: BS1, BS2

NM_002148.4(HOXD10):c.*205_*211TA[3]TGTATATATATATATATATATATAT[1]

Gene: HOXD10 (homeobox D10; plus strand). Cytogenetic location: 2q31.1.
Variant type: Microsatellite.
Coding change: c.*205_*211TA[3]TGTATATATATATATATATATATAT[1] on transcript NM_002148.4 (MANE Select).
Molecular consequence: 3 prime UTR variant.
Genome position: GRCh38 VCF-style: chr2-176119435-G-GTATATATGTATATATATATATATA. GRCh37 (hg19) VCF-style: chr2-176984163-G-GTATATATGTATATATATATATATA.
Identifiers: ClinVar variation 2651562 (VCV002651562.24), dbSNP rs1553518838.